The following is an entry in ClinVar:

NM_001845.6(COL4A1):c.1463T>C (p.Ile488Thr)

Gene: COL4A1 (collagen type IV alpha 1 chain; minus strand). Cytogenetic location: 13q34.
Variant type: single nucleotide variant.
Coding change: c.1463T>C on transcript NM_001845.6 (MANE Select); coding-DNA position 1463, T replaced by C.
Protein change: p.Ile488Thr; replaces isoleucine 488 with threonine.
Molecular consequence: missense variant.
Genome position (GRCh38, 1-based): chr13:110,192,832, A>G on the plus strand (T>C on the coding strand, the complement: COL4A1 is on the minus strand). VCF-style: chr13-110192832-A-G. GRCh37 (hg19) VCF-style: chr13-110845179-A-G.
Other names: c.1463T>C, p.Ile488Thr (NM_001303110.2); c.1463T>C (NM_001845.4); short protein forms I488T.
Identifiers: ClinVar variation 3023130 (VCV003023130.4), dbSNP rs2501540848, ClinGen allele CA388723472.

ClinVar aggregate classification (germline): Uncertain significance. Review status: criteria provided, multiple submitters, no conflicts (2 of 4 stars). 2 submissions from 2 submitters: Uncertain significance (2). Last evaluated 2024-06-24.

Submissions (2):

GeneDx
Classification: Uncertain significance. Last evaluated: 2024-06-24. Review status: criteria provided, single submitter. Criteria: GeneDx Variant Classification Process June 2021. Collection method: clinical testing. Allele origin: germline. Affected: yes.
Comment: Not observed at significant frequency in large population cohorts (gnomAD); In silico analysis indicates that this missense variant does not alter protein structure/function; Has not been previously published as pathogenic or benign to our knowledge

Labcorp Genetics (formerly Invitae), Labcorp
Classification: Uncertain significance. Last evaluated: 2023-08-27. Review status: criteria provided, single submitter. Criteria: Invitae Variant Classification Sherloc (09022015). Collection method: clinical testing. Allele origin: germline.
Comment: In summary, the available evidence is currently insufficient to determine the role of this variant in disease. Therefore, it has been classified as a Variant of Uncertain Significance. An algorithm developed to predict the effect of missense changes on protein structure and function (PolyPhen-2) suggests that this variant is likely to be tolerated. This variant has not been reported in the literature in individuals affected with COL4A1-related conditions. This variant is not present in population databases (gnomAD no frequency). This sequence change replaces isoleucine, which is neutral and non-polar, with threonine, which is neutral and polar, at codon 488 of the COL4A1 protein (p.Ile488Thr).